The following is an entry in ClinVar:

ClinVar aggregate classification (germline): Uncertain significance (1 of 4 stars; one submission).

Conditions:
Dilated cardiomyopathy 1AA (CMD1AA). Also called: CARDIOMYOPATHY, DILATED, 1AA, WITH OR WITHOUT LEFT VENTRICULAR NONCOMPACTION; CARDIOMYOPATHY, FAMILIAL HYPERTROPHIC, 23, WITH OR WITHOUT LEFT VENTRICULAR NONCOMPACTION; Cardiomyopathy, dilated, 1AA, with or without LVNC. Identifiers: Orphanet 154, MedGen C2677338, MONDO:0012808, OMIM 612158.
Primary familial hypertrophic cardiomyopathy (HCM). Identifiers: Orphanet 99739, MedGen C0949658, MeSH D024741, MONDO:0024573. Inheritance: Various modes of inheritance.

Submission:

Labcorp Genetics (formerly Invitae), Labcorp
Classification: Uncertain significance for Primary familial hypertrophic cardiomyopathy; Dilated cardiomyopathy 1AA. Last evaluated: 2022-03-21. Review status: criteria provided, single submitter. Criteria: Invitae Variant Classification Sherloc (09022015). Collection method: clinical testing. Allele origin: germline.
Comment: This sequence change affects an acceptor splice site in intron 16 of the ACTN2 gene. It is expected to disrupt RNA splicing. Variants that disrupt the donor or acceptor splice site typically lead to a loss of protein function (PMID: 16199547), however the current clinical and genetic evidence is not sufficient to establish whether loss-of-function variants in ACTN2 cause disease. This variant is not present in population databases (gnomAD no frequency). This variant has not been reported in the literature in individuals affected with ACTN2-related conditions. Algorithms developed to predict the effect of sequence changes on RNA splicing suggest that this variant may disrupt the consensus splice site. In summary, the available evidence is currently insufficient to determine the role of this variant in disease. Therefore, it has been classified as a Variant of Uncertain Significance.

Literature cited by the submitters: PubMed 16199547.

NM_001103.4(ACTN2):c.1975-2A>G

Gene: ACTN2 (actinin alpha 2; plus strand). Cytogenetic location: 1q43.
Variant type: single nucleotide variant.
Coding change: c.1975-2A>G on transcript NM_001103.4 (MANE Select); the canonical splice acceptor site of the intron before coding-DNA position 1975, A replaced by G.
Molecular consequence: splice acceptor variant.
Genome position (GRCh38, 1-based): chr1:236,755,017, A>G. VCF-style: chr1-236755017-A-G. GRCh37 (hg19) VCF-style: chr1-236918317-A-G.
Other names: c.1975-2A>G (NM_001278343.2).
Identifiers: ClinVar variation 1966518 (VCV001966518.5), dbSNP rs2527646787, ClinGen allele CA345387378.